The following is an entry in ClinVar:

ClinVar aggregate classification (germline): Conflicting classifications of pathogenicity. Review status: criteria provided, conflicting classifications (1 of 4 stars). 2 submissions from 2 submitters: Uncertain significance (1); Likely benign (1). Last evaluated 2025-03-20.

Conditions:
Inborn genetic diseases. Identifiers: MedGen C0950123, MeSH D030342.

Submissions (2):

Ambry Genetics
Classification: Likely benign for Inborn genetic diseases. Last evaluated: 2025-03-20. Review status: criteria provided, single submitter. Criteria: Ambry Variant Classification Scheme 2023. Collection method: clinical testing. Allele origin: germline.

Labcorp Genetics (formerly Invitae), Labcorp
Classification: Uncertain significance. Last evaluated: 2024-10-27. Review status: criteria provided, single submitter. Criteria: Invitae Variant Classification Sherloc (09022015). Collection method: clinical testing. Allele origin: germline.
Comment: This sequence change replaces asparagine, which is neutral and polar, with histidine, which is basic and polar, at codon 289 of the THBD protein (p.Asn289His). This variant is present in population databases (rs780736619, gnomAD 0.01%). This variant has not been reported in the literature in individuals affected with THBD-related conditions. Invitae Evidence Modeling of protein sequence and biophysical properties (such as structural, functional, and spatial information, amino acid conservation, physicochemical variation, residue mobility, and thermodynamic stability) indicates that this missense variant is not expected to disrupt THBD protein function with a negative predictive value of 80%. In summary, the available evidence is currently insufficient to determine the role of this variant in disease. Therefore, it has been classified as a Variant of Uncertain Significance.

NM_000361.3(THBD):c.865A>C (p.Asn289His)

Gene: THBD (thrombomodulin; minus strand). Cytogenetic location: 20p11.21.
Variant type: single nucleotide variant.
Coding change: c.865A>C on transcript NM_000361.3 (MANE Select); coding-DNA position 865, A replaced by C.
Protein change: p.Asn289His; replaces asparagine 289 with histidine.
Molecular consequence: missense variant.
Genome position (GRCh38, 1-based): chr20:23,048,640, T>G on the plus strand (A>C on the coding strand, the complement: THBD is on the minus strand). VCF-style: chr20-23048640-T-G. GRCh37 (hg19) VCF-style: chr20-23029277-T-G.
Other names: short protein forms N289H.
Identifiers: ClinVar variation 3684479 (VCV003684479.3).